The following is an entry in ClinVar:

ClinVar aggregate classification (germline): Likely benign. Review status: criteria provided, multiple submitters, no conflicts (2 of 4 stars). 2 submissions from 2 submitters: Likely benign (2). Last evaluated 2025-08-07.

Conditions:
Lowe syndrome (OCRL). Also called: Oculocerebrorenal Syndrome; PHOSPHATIDYLINOSITOL 4,5-BISPHOSPHATE 5-PHOSPHATASE DEFICIENCY; LOWE OCULOCEREBRORENAL SYNDROME. Identifiers: Orphanet 534, MedGen C0028860, MONDO:0010645, OMIM 309000.
OCRL-related disorder. Also called: OCRL-related condition.

Allele frequency attached by ClinVar (database versions not stated): gnomAD 0.00002; TOPMed 0.00002; ExAC 0.00014.
gnomAD v4.1: 5 of 1,120,884 alleles (0.00045%); highest among the groups gnomAD compares: African/African-American, 0.0038%; no homozygotes.

Submissions (2):

PreventionGenetics, part of Exact Sciences
Classification: Likely benign for OCRL-related condition. Last evaluated: 2025-08-07. Review status: criteria provided, single submitter. Criteria: ACMG Guidelines, 2015. Collection method: clinical testing. Allele origin: germline.
Comment: This variant is classified as likely benign based on ACMG/AMP sequence variant interpretation guidelines (Richards et al. 2015 PMID: 25741868, with internal and published modifications).

Labcorp Genetics (formerly Invitae), Labcorp
Classification: Likely benign for Lowe syndrome. Last evaluated: 2025-06-12. Review status: criteria provided, single submitter. Criteria: Invitae Variant Classification Sherloc (09022015). Collection method: clinical testing. Allele origin: germline.

NM_000276.4(OCRL):c.17C>T (p.Pro6Leu)

Genes: OCRL (OCRL inositol polyphosphate-5-phosphatase; plus strand), LOC113875008 (Sharpr-MPRA regulatory region 13828; plus strand). Cytogenetic location: Xq26.1.
Variant type: single nucleotide variant.
Coding change: c.17C>T on transcript NM_000276.4 (MANE Select); coding-DNA position 17, C replaced by T.
Protein change: p.Pro6Leu; replaces proline 6 with leucine.
Molecular consequence: missense variant.
Genome position (GRCh38, 1-based): chrX:129,540,456, C>T. VCF-style: chrX-129540456-C-T. GRCh37 (hg19) VCF-style: chrX-128674433-C-T.
Other names: c.17C>T, p.Pro6Leu (NM_001318784.2, NM_001587.4); c.17C>T (NM_000276.3); short protein forms P6L.
Identifiers: ClinVar variation 2915085 (VCV002915085.4), dbSNP rs759203987, ClinGen allele CA10511909.
Genomic context (GRCh38, chrX:129,540,456, plus strand): 5'-TCGGCCCGCAGTCCGCTGTCCTGCTGAGCCCGGAGGCCGCCTGGATGGAGCCGCCGCTCC[C>T]GGTCGGAGCCCAGCCGCTTGCCGTATCCGCCGGAGAGAAGGGAGAGGGGAGGCCGCGCAG-3'
Protein context (NP_000267.2, residues 1-16): MEPPL[Pro6Leu]VGAQPLATVE